The following is an entry in ClinVar:

NM_004821.3(HAND1):c.481G>A (p.Ala161Thr)

Gene: HAND1 (heart and neural crest derivatives expressed 1; minus strand). Cytogenetic location: 5q33.2.
Variant type: single nucleotide variant.
Coding change: c.481G>A on transcript NM_004821.3 (MANE Select); coding-DNA position 481, G replaced by A.
Protein change: p.Ala161Thr; replaces alanine 161 with threonine.
Molecular consequence: missense variant.
Genome position (GRCh38, 1-based): chr5:154,477,528, C>T on the plus strand (G>A on the coding strand, the complement: HAND1 is on the minus strand). VCF-style: chr5-154477528-C-T. GRCh37 (hg19) VCF-style: chr5-153857088-C-T.
Other names: short protein forms A161T.
Identifiers: ClinVar variation 4721989 (VCV004721989.1).

ClinVar aggregate classification (germline): Uncertain significance (1 of 4 stars; one submission).

Conditions:
Hypoplastic left heart syndrome. Also called: Hypoplastic left heart; Hypoplastic left ventricle. Identifiers: Orphanet 2248, MedGen C0152101, MONDO:0004933, HP:0004383.

Submission:

Labcorp Genetics (formerly Invitae), Labcorp
Classification: Uncertain significance for Hypoplastic left heart syndrome. Last evaluated: 2025-08-20. Review status: criteria provided, single submitter. Criteria: Invitae Variant Classification Sherloc (09022015). Collection method: clinical testing. Allele origin: germline.
Comment: This sequence change replaces alanine, which is neutral and non-polar, with threonine, which is neutral and polar, at codon 161 of the HAND1 protein (p.Ala161Thr). This variant is not present in population databases (gnomAD no frequency). This variant has not been reported in the literature in individuals affected with HAND1-related conditions. An algorithm developed to predict the effect of missense changes on protein structure and function (PolyPhen-2) suggests that this variant is likely to be tolerated. In summary, the available evidence is currently insufficient to determine the role of this variant in disease. Therefore, it has been classified as a Variant of Uncertain Significance.